The following is an entry in ClinVar:

NM_016955.4(SEPSECS):c.1441A>G (p.Ile481Val)

Gene: SEPSECS (Sep (O-phosphoserine) tRNA:Sec (selenocysteine) tRNA synthase; minus strand). Cytogenetic location: 4p15.2.
Variant type: single nucleotide variant.
Coding change: c.1441A>G on transcript NM_016955.4 (MANE Select); coding-DNA position 1441, A replaced by G.
Protein change: p.Ile481Val; replaces isoleucine 481 with valine.
Molecular consequence: missense variant.
Genome position (GRCh38, 1-based): chr4:25,123,996, T>C on the plus strand (A>G on the coding strand, the complement: SEPSECS is on the minus strand). VCF-style: chr4-25123996-T-C. GRCh37 (hg19) VCF-style: chr4-25125618-T-C.
Other names: short protein forms I481V.
Identifiers: ClinVar variation 1302611 (VCV001302611.2), dbSNP rs771601231, ClinGen allele CA2877142.

ClinVar aggregate classification (germline): Uncertain significance (1 of 4 stars; one submission).

Allele frequency attached by ClinVar (database versions not stated): gnomAD exomes below 0.00001 and 0.00003; ExAC 0.00001; TOPMed 0.00002; gnomAD 0.00003 and 0.00004.
gnomAD v4.1: 43 of 1,613,478 alleles (0.0027%); highest among the groups gnomAD compares: Non-Finnish European, 0.0036%; no homozygotes.

Submission:

GeneDx
Classification: Uncertain significance. Last evaluated: 2019-05-29. Review status: criteria provided, single submitter. Criteria: GeneDx Variant Classification Process June 2021. Collection method: clinical testing. Allele origin: germline. Affected: yes.
Comment: Not observed at a significant frequency in large population cohorts (Lek et al., 2016); In silico analysis, which includes protein predictors and evolutionary conservation, supports that this variant does not alter protein structure/function; Has not been previously published as pathogenic or benign to our knowledge